The following is an entry in ClinVar:

ClinVar aggregate classification (germline): Uncertain significance (1 of 4 stars; one submission).

Submission:

Labcorp Genetics (formerly Invitae), Labcorp
Classification: Uncertain significance. Last evaluated: 2022-07-30. Review status: criteria provided, single submitter. Criteria: Invitae Variant Classification Sherloc (09022015). Collection method: clinical testing. Allele origin: germline.
Comment: This variant has not been reported in the literature in individuals affected with ADNP-related conditions. In summary, the available evidence is currently insufficient to determine the role of this variant in disease. Therefore, it has been classified as a Variant of Uncertain Significance. Algorithms developed to predict the effect of missense changes on protein structure and function are either unavailable or do not agree on the potential impact of this missense change (SIFT: "Not Available"; PolyPhen-2: "Benign"; Align-GVGD: "Not Available"). This variant is not present in population databases (gnomAD no frequency). This sequence change replaces lysine, which is basic and polar, with glutamic acid, which is acidic and polar, at codon 278 of the ADNP protein (p.Lys278Glu).

NM_001282531.3(ADNP):c.832A>G (p.Lys278Glu)

Gene: ADNP (activity dependent neuroprotector homeobox; minus strand). Cytogenetic location: 20q13.13.
Variant type: single nucleotide variant.
Coding change: c.832A>G on transcript NM_001282531.3 (MANE Select); coding-DNA position 832, A replaced by G.
Protein change: p.Lys278Glu; replaces lysine 278 with glutamic acid.
Molecular consequence: missense variant.
Genome position (GRCh38, 1-based): chr20:50,893,882, T>C on the plus strand (A>G on the coding strand, the complement: ADNP is on the minus strand). VCF-style: chr20-50893882-T-C. GRCh37 (hg19) VCF-style: chr20-49510419-T-C.
Other names: c.832A>G, p.Lys278Glu (NM_001282532.2, NM_001347511.2, NM_015339.5 and 1 more transcripts); short protein forms K278E.
Identifiers: ClinVar variation 1714298 (VCV001714298.5), dbSNP rs2515589310, ClinGen allele CA408975532.